The following is an entry in ClinVar:

NM_001256715.2(DNAAF3):c.301C>A (p.Pro101Thr)

Genes: DNAAF3 (dynein axonemal assembly factor 3; minus strand), DNAAF3-AS1 (DNAAF3 antisense RNA 1; plus strand). Cytogenetic location: 19q13.42.
Variant type: single nucleotide variant.
Coding change: c.301C>A on transcript NM_001256715.2 (MANE Select); coding-DNA position 301, C replaced by A.
Protein change: p.Pro101Thr; replaces proline 101 with threonine.
Molecular consequence: missense variant.
Genome position (GRCh38, 1-based): chr19:55,165,391, G>T on the plus strand (C>A on the coding strand, the complement: DNAAF3 is on the minus strand). VCF-style: chr19-55165391-G-T. GRCh37 (hg19) VCF-style: chr19-55676759-G-T.
Other names: c.505C>A, p.Pro169Thr (NM_001256714.1); c.139C>A, p.Pro47Thr (NM_001256716.2); c.442C>A, p.Pro148Thr (NM_178837.4); short protein forms P101T, P148T, P169T, P47T.
Identifiers: ClinVar variation 3252259 (VCV003252259.1), dbSNP rs745672775.

ClinVar aggregate classification (germline): Uncertain significance (1 of 4 stars; one submission).

Submission:

GeneDx
Classification: Uncertain significance. Last evaluated: 2023-10-02. Review status: criteria provided, single submitter. Criteria: GeneDx Variant Classification Process June 2021. Collection method: clinical testing. Allele origin: germline. Affected: yes.
Comment: Not observed at significant frequency in large population cohorts (gnomAD); In silico analysis supports that this missense variant has a deleterious effect on protein structure/function; Has not been previously published as pathogenic or benign to our knowledge